The following is an entry in ClinVar:

ClinVar aggregate classification (germline): Uncertain significance (1 of 4 stars; one submission).

Conditions:
Autosomal recessive limb-girdle muscular dystrophy type 2F (LGMDR6). Also called: Muscular dystrophy limb-girdle with delta-sarcoglyan deficiency; MUSCULAR DYSTROPHY, LIMB-GIRDLE, AUTOSOMAL RECESSIVE 6. Identifiers: Orphanet 219, MedGen C1832525, MONDO:0011028, OMIM 601287. Disease mechanism: Affects gamma-sarcoglycan and also disrupts the integrity of the entire sarcoglycan complex..

Allele frequency attached by ClinVar (database versions not stated): gnomAD exomes below 0.00001; TOPMed 0.00001.

Submission:

Labcorp Genetics (formerly Invitae), Labcorp
Classification: Uncertain significance for Autosomal recessive limb-girdle muscular dystrophy type 2F. Last evaluated: 2022-02-06. Review status: criteria provided, single submitter. Criteria: Invitae Variant Classification Sherloc (09022015). Collection method: clinical testing. Allele origin: germline.
Comment: This sequence change replaces methionine, which is neutral and non-polar, with valine, which is neutral and non-polar, at codon 14 of the SGCD protein (p.Met14Val). This variant is not present in population databases (gnomAD no frequency). This variant has not been reported in the literature in individuals affected with SGCD-related conditions. Algorithms developed to predict the effect of missense changes on protein structure and function (SIFT, PolyPhen-2, Align-GVGD) all suggest that this variant is likely to be tolerated. In summary, the available evidence is currently insufficient to determine the role of this variant in disease. Therefore, it has been classified as a Variant of Uncertain Significance.

NM_000337.6(SGCD):c.40A>G (p.Met14Val)

Gene: SGCD (sarcoglycan delta; plus strand). Cytogenetic location: 5q33.3.
Variant type: single nucleotide variant.
Coding change: c.40A>G on transcript NM_000337.6 (MANE Select); coding-DNA position 40, A replaced by G.
Protein change: p.Met14Val; replaces methionine 14 with valine.
Molecular consequence: missense variant.
Genome position (GRCh38, 1-based): chr5:156,344,525, A>G. VCF-style: chr5-156344525-A-G. GRCh37 (hg19) VCF-style: chr5-155771535-A-G.
Other names: c.37A>G, p.Met13Val (NM_001128209.2); c.40A>G, p.Met14Val (NM_172244.3); short protein forms M13V, M14V.
Identifiers: ClinVar variation 2200686 (VCV002200686.1), dbSNP rs903232864, ClinGen allele CA130594216.
Genomic context (GRCh38, chr5:156,344,525, plus strand): 5'-TCTCTCTTGCCTCGTTTATTTCAGATGCCTCAGGAGCAGTACACTCACCACCGGAGCACC[A>G]TGCCTGGCTCTGTGGGGCCACAGGTATACAAGGTGGGGATTTATGGCTGGCGGAAACGAT-3'
Protein context (NP_000328.2, residues 4-24): QEQYTHHRST[Met14Val]PGSVGPQVYK